The following is an entry in ClinVar:

ClinVar aggregate classification (germline): Uncertain significance. Review status: criteria provided, multiple submitters, no conflicts (2 of 4 stars). 2 submissions from 2 submitters: Uncertain significance (2). Last evaluated 2026-01-22.

Allele frequency attached by ClinVar (database versions not stated): ExAC 0.00023; ESP Exome Variant Server 0.00031; gnomAD exomes 0.00032; TOPMed 0.00032; gnomAD 0.00039 and 0.00041.
gnomAD v4.1: 560 of 1,606,860 alleles (0.035%); highest among the groups gnomAD compares: Middle Eastern, 0.15%; no homozygotes.

Submissions (2):

Labcorp Genetics (formerly Invitae), Labcorp
Classification: Uncertain significance. Last evaluated: 2026-01-22. Review status: criteria provided, single submitter. Criteria: Invitae Variant Classification Sherloc (09022015). Collection method: clinical testing. Allele origin: germline.
Comment: This sequence change replaces leucine, which is neutral and non-polar, with isoleucine, which is neutral and non-polar, at codon 275 of the POLE2 protein (p.Leu275Ile). This variant is present in population databases (rs141483427, gnomAD 0.06%), and has an allele count higher than expected for a pathogenic variant. This missense change has been observed in individual(s) with colorectal cancer (PMID: 25529843). ClinVar contains an entry for this variant (Variation ID: 1384901). An algorithm developed to predict the effect of missense changes on protein structure and function (PolyPhen-2) suggests that this variant is likely to be disruptive. In summary, the available evidence is currently insufficient to determine the role of this variant in disease. Therefore, it has been classified as a Variant of Uncertain Significance.

Mayo Clinic Laboratories, Mayo Clinic
Classification: Uncertain significance. Last evaluated: 2025-12-11. Review status: criteria provided, single submitter. Criteria: ACMG Guidelines, 2015. Collection method: clinical testing. Allele origin: germline. Observed: 1 variant allele.
Comment: BP4

Literature cited by the submitters: PubMed 25529843 (cited by Labcorp Genetics (formerly Invitae), Labcorp and Mayo Clinic Laboratories, Mayo Clinic).

NM_002692.4(POLE2):c.823C>A (p.Leu275Ile)

Gene: POLE2 (DNA polymerase epsilon 2, accessory subunit; minus strand). Cytogenetic location: 14q21.3.
Variant type: single nucleotide variant.
Coding change: c.823C>A on transcript NM_002692.4 (MANE Select); coding-DNA position 823, C replaced by A.
Protein change: p.Leu275Ile; replaces leucine 275 with isoleucine.
Molecular consequence: missense variant.
Genome position (GRCh38, 1-based): chr14:49,655,776, G>T on the plus strand (C>A on the coding strand, the complement: POLE2 is on the minus strand). VCF-style: chr14-49655776-G-T. GRCh37 (hg19) VCF-style: chr14-50122494-G-T.
Other names: p.Leu275Ile; c.745C>A, p.Leu249Ile (NM_001197330.2); c.823C>A, p.Leu275Ile (NM_001197331.3, NM_001348384.2); c.592C>A, p.Leu198Ile (NM_001348385.2); short protein forms L275I, L198I, L249I.
Identifiers: ClinVar variation 1384901 (VCV001384901.7), dbSNP rs141483427, ClinGen allele CA7173466.
Genomic context (GRCh38, chr14:49,655,776, plus strand): 5'-ACCAAACATCAGATAAAAACACAAACATAGCATCTTTATTCTCCTCTTCTAGCTGTTTTA[G>T]TTTTGCAGAAGTCTTCACAGATGTATTAGAAGGACCTCCAAAAAAATTAATATTTCCATA-3'
Protein context (NP_002683.2, residues 265-285): SNTSVKTSAK[Leu275Ile]KQLEEENKDA